The following is an entry in ClinVar:

ClinVar aggregate classification (germline): Uncertain significance (1 of 4 stars; one submission).

Allele frequency attached by ClinVar (database versions not stated): gnomAD exomes below 0.00001.

Submission:

Labcorp Genetics (formerly Invitae), Labcorp
Classification: Uncertain significance. Last evaluated: 2021-10-11. Review status: criteria provided, single submitter. Criteria: Invitae Variant Classification Sherloc (09022015). Collection method: clinical testing. Allele origin: germline.
Comment: In summary, the available evidence is currently insufficient to determine the role of this variant in disease. Therefore, it has been classified as a Variant of Uncertain Significance. Algorithms developed to predict the effect of missense changes on protein structure and function (SIFT, PolyPhen-2, Align-GVGD) all suggest that this variant is likely to be disruptive. This variant has not been reported in the literature in individuals affected with NACC1-related conditions. The frequency data for this variant in the population databases is considered unreliable, as metrics indicate insufficient coverage at this position in the ExAC database. This sequence change replaces arginine with histidine at codon 201 of the NACC1 protein (p.Arg201His). The arginine residue is highly conserved and there is a small physicochemical difference between arginine and histidine.

NM_052876.4(NACC1):c.602G>A (p.Arg201His)

Gene: NACC1 (nucleus accumbens associated 1; plus strand). Cytogenetic location: 19p13.13.
Variant type: single nucleotide variant.
Coding change: c.602G>A on transcript NM_052876.4 (MANE Select); coding-DNA position 602, G replaced by A.
Protein change: p.Arg201His; replaces arginine 201 with histidine.
Molecular consequence: missense variant.
Genome position (GRCh38, 1-based): chr19:13,135,809, G>A. VCF-style: chr19-13135809-G-A. GRCh37 (hg19) VCF-style: chr19-13246623-G-A.
Other names: short protein forms R201H.
Identifiers: ClinVar variation 1386122 (VCV001386122.6), dbSNP rs2145623740, ClinGen allele CA404325721.